The following is an entry in ClinVar:

ClinVar aggregate classification (germline): Benign/Likely benign. Review status: criteria provided, multiple submitters, no conflicts (2 of 4 stars). 4 submissions from 4 submitters: Benign (2); Likely benign (2). Last evaluated 2026-01-12.

Allele frequency attached by ClinVar (database versions not stated): 1000 Genomes Project 0.00080; 1000 Genomes Project 30x 0.00094; gnomAD 0.00185 and 0.00190; TOPMed 0.00224; gnomAD exomes 0.00264; ExAC 0.00970.
gnomAD v4.1: 4,464 of 1,483,358 alleles (0.3%); highest among the groups gnomAD compares: Non-Finnish European, 0.36%; 11 homozygotes.

Submissions (4):

Labcorp Genetics (formerly Invitae), Labcorp
Classification: Benign. Last evaluated: 2026-01-12. Review status: criteria provided, single submitter. Criteria: Invitae Variant Classification Sherloc (09022015). Collection method: clinical testing. Allele origin: germline.

CeGaT Center for Human Genetics Tuebingen
Classification: Benign. Last evaluated: 2024-12-01. Review status: criteria provided, single submitter. Criteria: CeGaT Center For Human Genetics Tuebingen Variant Classification Criteria Version 2. Collection method: clinical testing. Allele origin: germline. Affected: yes. Observed: 1 variant allele.
Comment: FOXA2: BS1, BS2

Genetic Services Laboratory, University of Chicago
Classification: Likely benign. Last evaluated: 2020-03-16. Review status: criteria provided, single submitter. Criteria: ACMG Guidelines, 2015. Collection method: clinical testing. Allele origin: germline. Affected: no.

Breakthrough Genomics
Classification: Likely benign. Review status: criteria provided, single submitter. Criteria: ACMG Guidelines, 2015. Collection method: not provided. Allele origin: germline. Inheritance: Unknown mechanism. Affected: yes.

NM_021784.5(FOXA2):c.890C>T (p.Ala297Val)

Gene: FOXA2 (forkhead box A2; minus strand). Cytogenetic location: 20p11.21.
Variant type: single nucleotide variant.
Coding change: c.890C>T on transcript NM_021784.5 (MANE Select); coding-DNA position 890, C replaced by T.
Protein change: p.Ala297Val; replaces alanine 297 with valine.
Molecular consequence: missense variant.
Genome position (GRCh38, 1-based): chr20:22,582,352, G>A on the plus strand (C>T on the coding strand, the complement: FOXA2 is on the minus strand). VCF-style: chr20-22582352-G-A. GRCh37 (hg19) VCF-style: chr20-22562990-G-A.
Other names: c.872C>T, p.Ala291Val (NM_153675.3); short protein forms A291V, A297V.
Identifiers: ClinVar variation 1338704 (VCV001338704.25), dbSNP rs200459003, ClinGen allele CA9786941.
Genomic context (GRCh38, chr20:22,582,352, plus strand): 5'-CACGGGGAGGCGCTCGAGTGAGGCGACTCGGTGCCCGCCGGAGTCTCGGAGGCCGGCCCG[G>A]CGGCCTCCCCGAGTTGAGCCTGTGAGGCCTGGGCTCCGGCGGCCGCCTTCTTGCCGCTGC-3'
Protein context (NP_068556.2, residues 287-307): QASQAQLGEA[Ala297Val]GPASETPAGT